The following is an entry in ClinVar:

ClinVar aggregate classification (germline): Pathogenic (1 of 4 stars; one submission).

Submission:

Labcorp Genetics (formerly Invitae), Labcorp
Classification: Pathogenic. Last evaluated: 2025-02-26. Review status: criteria provided, single submitter. Criteria: Invitae Variant Classification Sherloc (09022015). Collection method: clinical testing. Allele origin: germline.
Comment: This sequence change creates a premature translational stop signal (p.Leu920Phefs*4) in the TET2 gene. It is expected to result in an absent or disrupted protein product. Loss-of-function variants in TET2 are known to be pathogenic (PMID: 36066697). This variant is not present in population databases (gnomAD no frequency). This variant has not been reported in the literature in individuals affected with TET2-related conditions. For these reasons, this variant has been classified as Pathogenic.

Literature cited by the submitters: PubMed 36066697.

NM_001127208.3(TET2):c.2759dup (p.Leu920fs)

Genes: TET2 (tet methylcytosine dioxygenase 2; plus strand), TET2-AS1 (TET2 antisense RNA 1; minus strand). Cytogenetic location: 4q24.
Variant type: Duplication.
Coding change: c.2759dup on transcript NM_001127208.3 (MANE Select); coding-DNA position 2759, one base duplicated (T; older notation c.2759dupT).
Protein change: p.Leu920fs; shifts the reading frame from leucine 920.
Molecular consequence: frameshift variant.
Genome position (GRCh38, 1-based): chr4:105,236,701, T duplicated; the last of 2 consecutive T bases (chr4:105,236,700-105,236,701); duplicating either gives the same sequence. VCF-style (leftmost placement, unchanged base first): chr4-105236699-C-CT. GRCh37 (hg19) VCF-style: chr4-106157856-C-CT.
Other names: c.2759dup, p.Leu920fs (NM_017628.4); short protein forms L920fs.
Identifiers: ClinVar variation 4713976 (VCV004713976.1).